The following is an entry in ClinVar:

ClinVar aggregate classification (germline): Uncertain significance. Review status: criteria provided, multiple submitters, no conflicts (2 of 4 stars). 2 submissions from 2 submitters: Uncertain significance (2). Last evaluated 2024-08-05.

Conditions:
Hereditary cancer-predisposing syndrome. Also called: Tumor predisposition; Hereditary Cancer Syndrome; Hereditary neoplastic syndrome; Neoplastic Syndromes, Hereditary. Identifiers: Orphanet 140162, MedGen C0027672, MeSH D009386, MONDO:0015356.
Gastrointestinal stromal tumor. Also called: Gastrointestinal stroma tumor; Gastrointestinal stromal tumor, somatic. Identifiers: Orphanet 44890, MedGen C0238198, MeSH D046152, MONDO:0011719, OMIM 606764, HP:0100723.

Allele frequency attached by ClinVar (database versions not stated): gnomAD exomes below 0.00001.
gnomAD v4.1: 1 of 1,613,864 alleles (0.000062%); highest among the groups gnomAD compares: Non-Finnish European, 0.000085%; no homozygotes.

Submissions (2):

Labcorp Genetics (formerly Invitae), Labcorp
Classification: Uncertain significance for Gastrointestinal stromal tumor. Last evaluated: 2024-08-05. Review status: criteria provided, single submitter. Criteria: Invitae Variant Classification Sherloc (09022015). Collection method: clinical testing. Allele origin: germline.
Comment: This sequence change replaces asparagine, which is neutral and polar, with histidine, which is basic and polar, at codon 684 of the PDGFRA protein (p.Asn684His). This variant is not present in population databases (gnomAD no frequency). This variant has not been reported in the literature in individuals affected with PDGFRA-related conditions. ClinVar contains an entry for this variant (Variation ID: 1968559). Advanced modeling of protein sequence and biophysical properties (such as structural, functional, and spatial information, amino acid conservation, physicochemical variation, residue mobility, and thermodynamic stability) performed at Invitae indicates that this missense variant is not expected to disrupt PDGFRA protein function with a negative predictive value of 80%. In summary, the available evidence is currently insufficient to determine the role of this variant in disease. Therefore, it has been classified as a Variant of Uncertain Significance.

Ambry Genetics
Classification: Uncertain significance for Hereditary cancer-predisposing syndrome. Last evaluated: 2024-02-24. Review status: criteria provided, single submitter. Criteria: Ambry Variant Classification Scheme 2023. Collection method: clinical testing. Allele origin: germline.
Comment: The p.N684H variant (also known as c.2050A>C), located in coding exon 14 of the PDGFRA gene, results from an A to C substitution at nucleotide position 2050. The asparagine at codon 684 is replaced by histidine, an amino acid with similar properties. This amino acid position is conserved. In addition, the in silico prediction for this alteration is inconclusive. Based on the available evidence, the clinical significance of this alteration remains unclear.

NM_006206.6(PDGFRA):c.2050A>C (p.Asn684His)

Gene: PDGFRA (platelet derived growth factor receptor alpha; plus strand). Cytogenetic location: 4q12.
Variant type: single nucleotide variant.
Coding change: c.2050A>C on transcript NM_006206.6 (MANE Select); coding-DNA position 2050, A replaced by C.
Protein change: p.Asn684His; replaces asparagine 684 with histidine.
Molecular consequence: missense variant.
Genome position (GRCh38, 1-based): chr4:54,278,409, A>C. VCF-style: chr4-54278409-A-C. GRCh37 (hg19) VCF-style: chr4-55144576-A-C.
Other names: c.2050A>C, p.Asn684His (NM_001347827.2, NM_001347829.2); c.2125A>C, p.Asn709His (NM_001347828.2); c.2089A>C, p.Asn697His (NM_001347830.2); short protein forms N684H, N709H, N697H.
Identifiers: ClinVar variation 1968559 (VCV001968559.6), dbSNP rs2475516244, ClinGen allele CA356893925.
Genomic context (GRCh38, chr4:54,278,409, plus strand): 5'-TTTGTCCCCATAGGCCCCATTTACATCATCACAGAGTATTGCTTCTATGGAGATTTGGTC[A>C]ACTATTTGCATAAGAATAGGGATAGCTTCCTGAGCCACCACCCAGAGAAGCCAAAGAAAG-3'
Protein context (NP_006197.1, residues 674-694): TEYCFYGDLV[Asn684His]YLHKNRDSFL